The following is an entry in ClinVar:

ClinVar aggregate classification (germline): Uncertain significance (1 of 4 stars; one submission).

Conditions:
Short-rib thoracic dysplasia 13 with or without polydactyly (SRTD13). Identifiers: Orphanet 474, MedGen C4225378, MONDO:0014577, OMIM 616300.

Allele frequency attached by ClinVar (database versions not stated): ExAC 0.00001; gnomAD exomes 0.00001.
gnomAD v4.1: 3 of 1,613,468 alleles (0.00019%); highest among the groups gnomAD compares: Admixed American, 0.0033%; no homozygotes.

Submission:

Labcorp Genetics (formerly Invitae), Labcorp
Classification: Uncertain significance for Short-rib thoracic dysplasia 13 with or without polydactyly. Last evaluated: 2022-06-20. Review status: criteria provided, single submitter. Criteria: Invitae Variant Classification Sherloc (09022015). Collection method: clinical testing. Allele origin: germline.
Comment: This variant is present in population databases (rs773146730, gnomAD 0.006%). This sequence change replaces leucine, which is neutral and non-polar, with serine, which is neutral and polar, at codon 649 of the CEP120 protein (p.Leu649Ser). This variant has not been reported in the literature in individuals affected with CEP120-related conditions. In summary, the available evidence is currently insufficient to determine the role of this variant in disease. Therefore, it has been classified as a Variant of Uncertain Significance. Algorithms developed to predict the effect of missense changes on protein structure and function (SIFT, PolyPhen-2, Align-GVGD) all suggest that this variant is likely to be tolerated. ClinVar contains an entry for this variant (Variation ID: 1056610).

NM_001375405.1(CEP120):c.1946T>C (p.Leu649Ser)

Gene: CEP120 (centrosomal protein 120; minus strand). Cytogenetic location: 5q23.2.
Variant type: single nucleotide variant.
Coding change: c.1946T>C on transcript NM_001375405.1 (MANE Select); coding-DNA position 1946, T replaced by C.
Protein change: p.Leu649Ser; replaces leucine 649 with serine.
Molecular consequence: missense variant. On other transcripts: non-coding transcript variant (1).
Genome position (GRCh38, 1-based): chr5:123,382,804, A>G on the plus strand (T>C on the coding strand, the complement: CEP120 is on the minus strand). VCF-style: chr5-123382804-A-G. GRCh37 (hg19) VCF-style: chr5-122718498-A-G.
Other names: c.1946T>C, p.Leu649Ser (NM_153223.4, NM_001375407.1); c.1868T>C, p.Leu623Ser (NM_001166226.2); c.1811T>C, p.Leu604Ser (NM_001375406.1); c.1373T>C, p.Leu458Ser (NM_001375408.1, NM_001375409.1); short protein forms L458S, L604S, L623S, L649S.
Identifiers: ClinVar variation 1056610 (VCV001056610.8), dbSNP rs773146730, ClinGen allele CA3386801.